The following is an entry in ClinVar:

ClinVar aggregate classification (germline): Conflicting classifications of pathogenicity. Review status: criteria provided, conflicting classifications (1 of 4 stars). 4 submissions from 4 submitters: Pathogenic (1); Uncertain significance (3). Last evaluated 2025-10-16.

Conditions:
Retinal dystrophy. Also called: Inherited retinal dystrophy. Identifiers: Orphanet 71862, MedGen C0854723, MeSH D058499, MONDO:0019118, HP:0000556.
Achromatopsia. Also called: Rod monochromatism. Identifiers: Orphanet 49382, MedGen C0152200, MONDO:0018852, HP:0011516.
Cone dystrophy 4 (COD4). Identifiers: Orphanet 49382, MedGen C2751308, MONDO:0013129, OMIM 613093.

Submissions (4):

Labcorp Genetics (formerly Invitae), Labcorp
Classification: Pathogenic. Last evaluated: 2025-10-16. Review status: criteria provided, single submitter. Criteria: Invitae Variant Classification Sherloc (09022015). Collection method: clinical testing. Allele origin: germline.
Comment: This sequence change replaces arginine, which is basic and polar, with tryptophan, which is neutral and slightly polar, at codon 102 of the PDE6C protein (p.Arg102Trp). This variant is not present in population databases (gnomAD no frequency). This missense change has been observed in individuals with achromatopsia (PMID: 24148654, 30080950, 39287548). ClinVar contains an entry for this variant (Variation ID: 487696). Invitae Evidence Modeling of protein sequence and biophysical properties (such as structural, functional, and spatial information, amino acid conservation, physicochemical variation, residue mobility, and thermodynamic stability) indicates that this missense variant is expected to disrupt PDE6C protein function with a positive predictive value of 95%. This variant disrupts the p.Arg102 amino acid residue in PDE6C. Other variant(s) that disrupt this residue have been determined to be pathogenic (PMID: 30080950). This suggests that this residue is clinically significant, and that variants that disrupt this residue are likely to be disease-causing. For these reasons, this variant has been classified as Pathogenic.

Fulgent Genetics
Classification: Uncertain significance for Cone dystrophy 4. Last evaluated: 2022-03-23. Review status: criteria provided, single submitter. Criteria: ACMG Guidelines, 2015. Collection method: clinical testing. Allele origin: unknown.

Molecular Genetics Laboratory, Institute for Ophthalmic Research
Classification: Uncertain significance for Achromatopsia. Last evaluated: 2017-12-01. Review status: criteria provided, single submitter. Criteria: ACMG Guidelines, 2015. Collection method: research. Allele origin: germline. Affected: yes.

Institute of Human Genetics, Univ. Regensburg, Univ. Regensburg
Classification: Uncertain significance for Retinal dystrophy. Last evaluated: 2017-01-01. Review status: criteria provided, single submitter. Criteria: ACMG Guidelines, 2015. Collection method: clinical testing. Allele origin: germline. Affected: yes.

Literature cited by the submitters: PubMed 24148654 (cited by Labcorp Genetics (formerly Invitae), Labcorp); PubMed 30080950 (cited by Labcorp Genetics (formerly Invitae), Labcorp and Institute of Human Genetics, Univ. Regensburg, Univ. Regensburg); PubMed 39287548 (cited by Labcorp Genetics (formerly Invitae), Labcorp); PubMed 3182623 (cited by Institute of Human Genetics, Univ. Regensburg, Univ. Regensburg).

NM_006204.4(PDE6C):c.304C>T (p.Arg102Trp)

Gene: PDE6C (phosphodiesterase 6C; plus strand). Cytogenetic location: 10q23.33.
Variant type: single nucleotide variant.
Coding change: c.304C>T on transcript NM_006204.4 (MANE Select); coding-DNA position 304, C replaced by T.
Protein change: p.Arg102Trp; replaces arginine 102 with tryptophan.
Molecular consequence: missense variant.
Genome position (GRCh38, 1-based): chr10:93,613,029, C>T. VCF-style: chr10-93613029-C-T. GRCh37 (hg19) VCF-style: chr10-95372786-C-T.
Other names: short protein forms R102W.
Identifiers: ClinVar variation 487696 (VCV000487696.4), dbSNP rs375795507, ClinGen allele CA377622445.